The following is an entry in ClinVar:

ClinVar aggregate classification (germline): Uncertain significance (1 of 4 stars; one submission).

Submission:

Labcorp Genetics (formerly Invitae), Labcorp
Classification: Uncertain significance. Last evaluated: 2023-09-17. Review status: criteria provided, single submitter. Criteria: Invitae Variant Classification Sherloc (09022015). Collection method: clinical testing. Allele origin: germline.
Comment: This variant has not been reported in the literature in individuals affected with MLC1-related conditions. This variant is not present in population databases (gnomAD no frequency). This sequence change replaces leucine, which is neutral and non-polar, with valine, which is neutral and non-polar, at codon 267 of the MLC1 protein (p.Leu267Val). In summary, the available evidence is currently insufficient to determine the role of this variant in disease. Therefore, it has been classified as a Variant of Uncertain Significance. Advanced modeling of protein sequence and biophysical properties (such as structural, functional, and spatial information, amino acid conservation, physicochemical variation, residue mobility, and thermodynamic stability) performed at Invitae indicates that this missense variant is not expected to disrupt MLC1 protein function.

NM_015166.4(MLC1):c.799C>G (p.Leu267Val)

Gene: MLC1 (modulator of VRAC current 1; minus strand). Cytogenetic location: 22q13.33.
Variant type: single nucleotide variant.
Coding change: c.799C>G on transcript NM_015166.4 (MANE Select); coding-DNA position 799, C replaced by G.
Protein change: p.Leu267Val; replaces leucine 267 with valine.
Molecular consequence: missense variant. On other transcripts: non-coding transcript variant (3).
Genome position (GRCh38, 1-based): chr22:50,068,528, G>C on the plus strand (C>G on the coding strand, the complement: MLC1 is on the minus strand). VCF-style: chr22-50068528-G-C. GRCh37 (hg19) VCF-style: chr22-50506957-G-C.
Other names: c.799C>G, p.Leu267Val (NM_001376472.1, NM_001376473.1, NM_001376474.1 and 5 more transcripts); c.742C>G, p.Leu248Val (NM_001376479.1); c.709C>G, p.Leu237Val (NM_001376480.1); c.697C>G, p.Leu233Val (NM_001376481.1); c.643C>G, p.Leu215Val (NM_001376482.1, NM_001376483.1); c.562C>G, p.Leu188Val (NM_001376484.1); short protein forms L215V, L233V, L237V, L248V, L188V, L267V.
Identifiers: ClinVar variation 2833124 (VCV002833124.3), dbSNP rs2518488555, ClinGen allele CA412107788.